The following is an entry in ClinVar:

NM_001875.5(CPS1):c.2480_2481del (p.Leu827fs)

Gene: CPS1 (carbamoyl-phosphate synthase 1; plus strand). Cytogenetic location: 2q34.
Variant type: Microsatellite.
Coding change: c.2480_2481del on transcript NM_001875.5 (MANE Select); coding-DNA positions 2480 to 2481, 2 bases deleted (TC; older notation c.2480_2481delTC).
Protein change: p.Leu827fs; shifts the reading frame from leucine 827.
Molecular consequence: frameshift variant. On other transcripts: non-coding transcript variant (2).
Genome position (GRCh38, 1-based): chr2:210,612,205-210,612,206, TC deleted; deleting any 2 consecutive bases within chr2:210,612,203-210,612,206 gives the same sequence; the c. name uses the placement nearest the transcript's 3' end. VCF-style (leftmost placement, unchanged base first): chr2-210612202-GTC-G. GRCh37 (hg19) VCF-style: chr2-211476926-GTC-G.
Other names: c.2480_2481del, p.Leu827fs (NM_001122633.3, NM_001369257.1); c.2513_2514del, p.Leu838fs (NM_001369256.1); c.2478_2479TC[1], p.Leu827Profs (NM_001875.4); c.2480_2481del (NM_001875.4); short protein forms L827fs, L838fs.
Identifiers: ClinVar variation 4814956 (VCV004814956.1).

ClinVar aggregate classification (germline): Likely pathogenic (1 of 4 stars; one submission).

Conditions:
Congenital hyperammonemia, type I. Also called: Carbamoyl phosphate synthetase I deficiency disease; CPS I DEFICIENCY; Carbamoyl phosphate synthetase 1 deficiency; Hyperammonemia due to carbamoyl phosphate synthetase 1 deficiency; CPS 1 deficiency; Carbamyl phosphate synthetase (CPS) deficiency. Identifiers: Orphanet 147, MedGen C4082171, MONDO:0009376, OMIM 237300.

Submission:

Natera, Inc.
Classification: Likely pathogenic for Carbamoyl-phosphate synthase I deficiency. Last evaluated: 2024-11-05. Review status: criteria provided, single submitter. Criteria: Natera Variant Classification Schema (03/2026). Collection method: clinical testing. Allele origin: germline.
Comment: The c.2480_2481del variant in CPS1 is a frameshift variant predicted to shift the reading frame beginning at codon 827 and leads to a stop codon 9 codons downstream. This variant is expected to result in nonsense mediated decay, truncation, or a dysfunctional protein product. This variant is rare in the general population with a frequency below the threshold expected for the associated phenotype(s). Given the available evidence, this variant is classified as Likely Pathogenic.